The following is an entry in ClinVar:

NM_015978.3(TNNI3K):c.2505C>G (p.Ser835Arg)

Genes: FPGT-TNNI3K (FPGT-TNNI3K readthrough; plus strand), TNNI3K (TNNI3 interacting kinase; plus strand). Cytogenetic location: 1p31.1.
Variant type: single nucleotide variant.
Coding change: c.2505C>G on transcript NM_015978.3 (MANE Select); coding-DNA position 2505, C replaced by G.
Protein change: p.Ser835Arg; replaces serine 835 with arginine.
Molecular consequence: missense variant.
Genome position (GRCh38, 1-based): chr1:74,543,979, C>G. VCF-style: chr1-74543979-C-G. GRCh37 (hg19) VCF-style: chr1-75009663-C-G.
Other names: c.2808C>G, p.Ser936Arg (NM_001112808.3); short protein forms S835R, S936R.
Identifiers: ClinVar variation 3013588 (VCV003013588.3), dbSNP rs566780252, ClinGen allele CA24576747.

ClinVar aggregate classification (germline): Uncertain significance (1 of 4 stars; one submission).

Allele frequency attached by ClinVar (database versions not stated): gnomAD exomes below 0.00001; gnomAD 0.00001; TOPMed 0.00001.
gnomAD v4.1: 7 of 1,612,888 alleles (0.00043%); highest among the groups gnomAD compares: Admixed American, 0.0067%; no homozygotes.

Submission:

Labcorp Genetics (formerly Invitae), Labcorp
Classification: Uncertain significance. Last evaluated: 2025-10-27. Review status: criteria provided, single submitter. Criteria: Invitae Variant Classification Sherloc (09022015). Collection method: clinical testing. Allele origin: germline.
Comment: This sequence change replaces serine, which is neutral and polar, with arginine, which is basic and polar, at codon 835 of the TNNI3K protein (p.Ser835Arg). This variant is present in population databases (rs566780252, gnomAD 0.01%). This variant has not been reported in the literature in individuals affected with TNNI3K-related conditions. ClinVar contains an entry for this variant (Variation ID: 3013588). An algorithm developed to predict the effect of missense changes on protein structure and function (PolyPhen-2) suggests that this variant is likely to be tolerated. In summary, the available evidence is currently insufficient to determine the role of this variant in disease. Therefore, it has been classified as a Variant of Uncertain Significance.